The following is an entry in ClinVar:

ClinVar aggregate classification (germline): Uncertain significance. Review status: criteria provided, multiple submitters, no conflicts (2 of 4 stars). 2 submissions from 2 submitters: Uncertain significance (2). Last evaluated 2026-02-03.

Conditions:
DICER1-related tumor predisposition. Also called: DICER1-related pleuropulmonary blastoma cancer predisposition syndrome; DICER1 syndrome. Identifiers: Orphanet 284343, MedGen C3839822, MONDO:0100216.
Hereditary cancer-predisposing syndrome. Also called: Neoplastic Syndromes, Hereditary; Hereditary Cancer Syndrome; Hereditary neoplastic syndrome; Tumor predisposition. Identifiers: Orphanet 140162, MedGen C0027672, MeSH D009386, MONDO:0015356.

Submissions (2):

Labcorp Genetics (formerly Invitae), Labcorp
Classification: Uncertain significance for DICER1-related tumor predisposition. Last evaluated: 2026-02-03. Review status: criteria provided, single submitter. Criteria: Invitae Variant Classification Sherloc (09022015). Collection method: clinical testing. Allele origin: germline.
Comment: This sequence change replaces aspartic acid, which is acidic and polar, with valine, which is neutral and non-polar, at codon 1276 of the DICER1 protein (p.Asp1276Val). This variant is not present in population databases (gnomAD no frequency). This variant has not been reported in the literature in individuals affected with DICER1-related conditions. ClinVar contains an entry for this variant (Variation ID: 824266). Invitae Evidence Modeling of protein sequence and biophysical properties (such as structural, functional, and spatial information, amino acid conservation, physicochemical variation, residue mobility, and thermodynamic stability) indicates that this missense variant is not expected to disrupt DICER1 protein function with a negative predictive value of 95%. In summary, the available evidence is currently insufficient to determine the role of this variant in disease. Therefore, it has been classified as a Variant of Uncertain Significance.

Ambry Genetics
Classification: Uncertain significance for Hereditary cancer-predisposing syndrome. Last evaluated: 2019-01-15. Review status: criteria provided, single submitter. Criteria: Ambry Variant Classification Scheme 2023. Collection method: clinical testing. Allele origin: germline.
Comment: The p.D1276V variant (also known as c.3827A>T), located in coding exon 20 of the DICER1 gene, results from an A to T substitution at nucleotide position 3827. The aspartic acid at codon 1276 is replaced by valine, an amino acid with highly dissimilar properties. This amino acid position is poorly conserved in available vertebrate species. In addition, this alteration is predicted to be tolerated by in silico analysis. Since supporting evidence is limited at this time, the clinical significance of this alteration remains unclear.

NM_177438.3(DICER1):c.3827A>T (p.Asp1276Val)

Gene: DICER1 (dicer 1, ribonuclease III; minus strand). Cytogenetic location: 14q32.13.
Variant type: single nucleotide variant.
Coding change: c.3827A>T on transcript NM_177438.3 (MANE Select); coding-DNA position 3827, A replaced by T.
Protein change: p.Asp1276Val; replaces aspartic acid 1276 with valine.
Molecular consequence: missense variant.
Genome position (GRCh38, 1-based): chr14:95,103,569, T>A on the plus strand (A>T on the coding strand, the complement: DICER1 is on the minus strand). VCF-style: chr14-95103569-T-A. GRCh37 (hg19) VCF-style: chr14-95569906-T-A.
Other names: c.3827A>T, p.Asp1276Val (NM_001195573.1, NM_001271282.3, NM_001291628.2 and 1 more transcripts); short protein forms D1276V.
Identifiers: ClinVar variation 824266 (VCV000824266.7), dbSNP rs758636143, ClinGen allele CA390873363.